The following is an entry in ClinVar:

ClinVar aggregate classification (germline): Likely benign. Review status: criteria provided, multiple submitters, no conflicts (2 of 4 stars). 3 submissions from 3 submitters: Likely benign (3). Last evaluated 2026-07-31.

Conditions:
Familial colorectal cancer type X. Identifiers: Orphanet 440437, MedGen C3896578, MONDO:0018604.

Allele frequency attached by ClinVar (database versions not stated): ExAC 0.00002; gnomAD 0.00001; 1000 Genomes Project 30x 0.00016; 1000 Genomes Project 0.00020; gnomAD exomes 0.00001.
gnomAD v4.1: 11 of 1,610,960 alleles (0.00068%); highest among the groups gnomAD compares: African/African-American, 0.0027%; no homozygotes.

Submissions (3):

Myriad Genetics, Inc.
Classification: Likely benign for Familial colorectal cancer type X. Last evaluated: 2026-07-31. Review status: criteria provided, single submitter. Criteria: Myriad Autosomal Dominant, Autosomal Recessive and X-Linked Classification Criteria (2023). Collection method: clinical testing. Allele origin: unknown.
Comment: This variant is considered likely benign. This variant is intronic and is not expected to impact mRNA splicing.

Center for Genomic Medicine, Rigshospitalet, Copenhagen University Hospital
Classification: Likely benign. Last evaluated: 2025-03-04. Review status: criteria provided, single submitter. Criteria: ACMG Guidelines, 2015. Collection method: clinical testing. Allele origin: germline.

Labcorp Genetics (formerly Invitae), Labcorp
Classification: Likely benign. Last evaluated: 2024-05-15. Review status: criteria provided, single submitter. Criteria: Invitae Variant Classification Sherloc (09022015). Collection method: clinical testing. Allele origin: germline.

NM_001023.4(RPS20):c.104-16C>T

Gene: RPS20 (ribosomal protein S20; minus strand). Cytogenetic location: 8q12.1.
Variant type: single nucleotide variant.
Coding change: c.104-16C>T on transcript NM_001023.4 (MANE Select); 16 bases into the intron before coding-DNA position 104, C replaced by T.
Molecular consequence: intron variant.
Genome position (GRCh38, 1-based): chr8:56,073,784, G>A on the plus strand (C>T on the coding strand, the complement: RPS20 is on the minus strand). VCF-style: chr8-56073784-G-A. GRCh37 (hg19) VCF-style: chr8-56986343-G-A.
Other names: c.104-16C>T (NM_001146227.3).
Identifiers: ClinVar variation 2576456 (VCV002576456.5), dbSNP rs539605121, ClinGen allele CA4754377.